The following is an entry in ClinVar:

ClinVar aggregate classification (germline): Uncertain significance (1 of 4 stars; one submission).

Conditions:
Werner syndrome (WRN). Identifiers: Orphanet 902, MedGen C0043119, MONDO:0010196, OMIM 277700.

Allele frequency attached by ClinVar (database versions not stated): gnomAD exomes below 0.00001; ExAC 0.00001.
gnomAD v4.1: 1 of 1,608,082 alleles (0.000062%); highest among the groups gnomAD compares: South Asian, 0.0011%; no homozygotes.

Submission:

Labcorp Genetics (formerly Invitae), Labcorp
Classification: Uncertain significance for Werner syndrome. Last evaluated: 2023-10-30. Review status: criteria provided, single submitter. Criteria: Invitae Variant Classification Sherloc (09022015). Collection method: clinical testing. Allele origin: germline.
Comment: This sequence change replaces isoleucine, which is neutral and non-polar, with valine, which is neutral and non-polar, at codon 288 of the WRN protein (p.Ile288Val). This variant is present in population databases (rs773980642, gnomAD 0.003%). This variant has not been reported in the literature in individuals affected with WRN-related conditions. An algorithm developed to predict the effect of missense changes on protein structure and function (PolyPhen-2) suggests that this variant is likely to be tolerated. In summary, the available evidence is currently insufficient to determine the role of this variant in disease. Therefore, it has been classified as a Variant of Uncertain Significance.

NM_000553.6(WRN):c.862A>G (p.Ile288Val)

Gene: WRN (WRN RecQ like helicase; plus strand). Cytogenetic location: 8p12.
Variant type: single nucleotide variant.
Coding change: c.862A>G on transcript NM_000553.6 (MANE Select); coding-DNA position 862, A replaced by G.
Protein change: p.Ile288Val; replaces isoleucine 288 with valine.
Molecular consequence: missense variant.
Genome position (GRCh38, 1-based): chr8:31,080,889, A>G. VCF-style: chr8-31080889-A-G. GRCh37 (hg19) VCF-style: chr8-30938405-A-G.
Other names: short protein forms I288V.
Identifiers: ClinVar variation 2889260 (VCV002889260.3), dbSNP rs773980642, ClinGen allele CA4704214.